The following is an entry in ClinVar:

ClinVar aggregate classification (germline): Conflicting classifications of pathogenicity. Review status: criteria provided, conflicting classifications (1 of 4 stars). 3 submissions from 3 submitters: Pathogenic (1); Likely pathogenic (1); Uncertain significance (1). Last evaluated 2025-06-05.

Conditions:
EIF2S3-related disorder. Also called: EIF2S3-related condition.
MEHMO syndrome (MEHMO). Also called: MENTAL RETARDATION, X-LINKED, SYNDROMIC 20; MENTAL RETARDATION, X-LINKED, SYNDROMIC 25; Mental retardation, X-linked, syndromic, Borck type. Identifiers: Orphanet 85282, MedGen C1846278, MONDO:0010258, OMIM 300148.

Submissions (3):

GeneDx
Classification: Likely pathogenic. Last evaluated: 2025-06-05. Review status: criteria provided, single submitter. Criteria: GeneDx Variant Classification Process June 2021. Collection method: clinical testing. Allele origin: germline. Affected: yes.
Comment: Not observed at significant frequency in large population cohorts (gnomAD); In silico analysis supports that this missense variant has a deleterious effect on protein structure/function; Has not been previously published as pathogenic or benign to our knowledge

Blueprint Genetics
Classification: Pathogenic for EIF2S3-related disorders. Last evaluated: 2021-08-31. Review status: criteria provided, single submitter. Criteria: ACMG Guidelines, 2015. Collection method: clinical testing. Allele origin: germline. Affected: yes. Observed: 2 variant alleles.

Neuberg Centre For Genomic Medicine, NCGM
Classification: Uncertain significance for MEHMO syndrome. Review status: criteria provided, single submitter. Criteria: ACMG Guidelines, 2015. Collection method: clinical testing. Allele origin: germline. Inheritance: X-linked inheritance. Affected: yes.

NM_001415.4(EIF2S3):c.1003G>A (p.Gly335Ser)

Gene: EIF2S3 (eukaryotic translation initiation factor 2 subunit gamma; plus strand). Cytogenetic location: Xp22.11.
Variant type: single nucleotide variant.
Coding change: c.1003G>A on transcript NM_001415.4 (MANE Select); coding-DNA position 1003, G replaced by A.
Protein change: p.Gly335Ser; replaces glycine 335 with serine.
Molecular consequence: missense variant.
Genome position (GRCh38, 1-based): chrX:24,068,099, G>A. VCF-style: chrX-24068099-G-A. GRCh37 (hg19) VCF-style: chrX-24086216-G-A.
Other names: short protein forms G335S.
Identifiers: ClinVar variation 1253858 (VCV001253858.7), dbSNP rs2147129316, ClinGen allele CA412597698.